The following is an entry in ClinVar:

NM_001371986.1(UNC80):c.7848T>A (p.Tyr2616Ter)

Gene: UNC80 (unc-80 subunit of NALCN channel complex; plus strand). Cytogenetic location: 2q34.
Variant type: single nucleotide variant.
Coding change: c.7848T>A on transcript NM_001371986.1 (MANE Select); coding-DNA position 7848, T replaced by A.
Protein change: p.Tyr2616Ter; replaces tyrosine 2616 with a stop codon.
Molecular consequence: nonsense.
Genome position (GRCh38, 1-based): chr2:209,967,479, T>A. VCF-style: chr2-209967479-T-A. GRCh37 (hg19) VCF-style: chr2-210832203-T-A.
Other names: c.7650T>A, p.Tyr2550Ter (NM_032504.2); c.7635T>A, p.Tyr2545Ter (NM_182587.4); short protein forms Y2550*, Y2616*, Y2545*.
Identifiers: ClinVar variation 4734210 (VCV004734210.1).

ClinVar aggregate classification (germline): Pathogenic (1 of 4 stars; one submission).

Submission:

Labcorp Genetics (formerly Invitae), Labcorp
Classification: Pathogenic. Last evaluated: 2026-01-04. Review status: criteria provided, single submitter. Criteria: Invitae Variant Classification Sherloc (09022015). Collection method: clinical testing. Allele origin: germline.
Comment: This sequence change creates a premature translational stop signal (p.Tyr2550*) in the UNC80 gene. It is expected to result in an absent or disrupted protein product. Loss-of-function variants in UNC80 are known to be pathogenic (PMID: 26545877, 26708751, 26708753). This variant is not present in population databases (gnomAD no frequency). This variant has not been reported in the literature in individuals affected with UNC80-related conditions. For these reasons, this variant has been classified as Pathogenic.

Literature cited by the submitters: PubMed 26545877; PubMed 26708751; PubMed 26708753.